The following is an entry in ClinVar:

NM_198688.3(KRTAP10-6):c.141C>T (p.Cys47=)

Genes: KRTAP10-6 (keratin associated protein 10-6; minus strand), TSPEAR (thrombospondin type laminin G domain and EAR repeats; minus strand). Cytogenetic location: 21q22.3.
Variant type: single nucleotide variant.
Coding change: c.141C>T on transcript NM_198688.3 (MANE Select); coding-DNA position 141, C replaced by T.
Protein change: p.Cys47=; no amino-acid change (cysteine 47 retained).
Molecular consequence: synonymous variant. On other transcripts: intron variant (2).
Genome position (GRCh38, 1-based): chr21:44,592,344, G>A on the plus strand (C>T on the coding strand, the complement: KRTAP10-6 is on the minus strand). VCF-style: chr21-44592344-G-A. GRCh37 (hg19) VCF-style: chr21-46012225-G-A.
Other names: c.83-24339C>T (NM_144991.3); c.-122-24339C>T (NM_001272037.2).
Identifiers: ClinVar variation 5038602 (VCV005038602.1).

ClinVar aggregate classification (germline): Likely benign (1 of 4 stars; one submission).

Submission:

CeGaT Center for Human Genetics Tuebingen
Classification: Likely benign. Last evaluated: 2026-08-01. Review status: criteria provided, single submitter. Criteria: CeGaT Center For Human Genetics Tuebingen Variant Classification Criteria Version 2. Collection method: clinical testing. Allele origin: germline. Affected: yes. Observed: 1 variant allele.
Comment: KRTAP10-6: BP4, BP7